The following is an entry in ClinVar:

ClinVar aggregate classification (germline): Uncertain significance. Review status: criteria provided, multiple submitters, no conflicts (2 of 4 stars). 10 submissions from 9 submitters: Uncertain significance (8). 2 of the submissions do not count toward it. Last evaluated 2023-02-17.

Conditions:
Maturity-onset diabetes of the young type 13. Also called: MODY, TYPE 13. Identifiers: Orphanet 552, MedGen C4225365, MONDO:0014589, OMIM 616329.
Monogenic diabetes. Identifiers: Orphanet 183625, MedGen C3888631, MONDO:0015967.
Permanent neonatal diabetes mellitus (PNDM). Identifiers: Orphanet 99885, MedGen C1833104, MONDO:0100164, MONDO:0011643. Disease mechanism: gain of function.
Maturity-onset diabetes of the young (MODY). Also called: Maturity onset diabetes mellitus in young. Identifiers: Orphanet 552, MedGen C0342276, MONDO:0018911, HP:0004904.
Hyperinsulinemic hypoglycemia, familial, 2. Also called: HYPERINSULINEMIC HYPOGLYCEMIA, PERSISTENT; HYPERINSULINISM, NEONATAL. Identifiers: Orphanet 276580, Orphanet 276603, MedGen C2931833, MONDO:0011153, OMIM 601820. Disease mechanism: loss of function.
Diabetes mellitus, transient neonatal, 3 (TNDM3). Identifiers: Orphanet 99886, MedGen C1864623, MONDO:0012522, OMIM 610582. Disease mechanism: loss of function.
Permanent neonatal diabetes mellitus 1. Also called: GCK-Related Permanent Neonatal Diabetes Mellitus. Identifiers: MedGen C5393570, MONDO:0100165, OMIM 606176.
Diabetes mellitus, permanent neonatal 2. Also called: KCNJ11-Related Permanent Neonatal Diabetes Mellitus. Identifiers: MedGen C5394296, MONDO:0030087, OMIM 618856.
Type 2 diabetes mellitus. Also called: Type II diabetes mellitus. Identifiers: MedGen C0011860, MeSH D003924, MONDO:0005148, OMIM 125853, HP:0005978.
Inborn genetic diseases. Identifiers: MedGen C0950123, MeSH D030342.

Allele frequency attached by ClinVar (database versions not stated): ExAC 0.00002; gnomAD 0.00002; gnomAD exomes 0.00002 and 0.00006; TOPMed 0.00004.
gnomAD v4.1: 84 of 1,614,086 alleles (0.0052%); highest among the groups gnomAD compares: Middle Eastern, 0.016%; no homozygotes.

Submissions (10):

Women's Health and Genetics/Laboratory Corporation of America, LabCorp
Classification: Uncertain significance. Last evaluated: 2023-02-17. Review status: criteria provided, single submitter. Criteria: LabCorp Variant Classification Summary - May 2015. Collection method: clinical testing. Allele origin: germline.
Comment: Variant summary: KCNJ11 c.1040G>A (p.Arg347His) results in a non-conservative amino acid change located in the inward rectifier potassium channel, C-terminal domain (IPR041647) of the encoded protein sequence. Five of five in-silico tools predict a damaging effect of the variant on protein function. The variant allele was found at a frequency of 2.4e-05 in 251414 control chromosomes, found exclusively within the Non-Finnish European subpopulation at a frequency of 5.3e-05 in the gnomAD database. The available data on variant occurrences in the general population are insufficient to allow any conclusion about variant significance. c.1040G>A has been reported in the literature as a VUS in settings of multigene testing in an individual affected with congenital hyperinsulinism and in an individual suspected of monogenic diabetes with a positive family history (Kapoor_2013, Donath_2019). These reports do not provide unequivocal conclusions about association of the variant with congenital hyperinsulinism or monogenic diabetes. To our knowledge, no experimental evidence demonstrating an impact on protein function has been reported. Seven clinical diagnostic laboratories have submitted clinical-significance assessments for this variant to ClinVar after 2014 and all classified the variant as uncertain significance. Based on the evidence outlined above, the variant was classified as uncertain significance.

Fulgent Genetics
Classification: Uncertain significance for Type 2 diabetes mellitus; Hyperinsulinemic hypoglycemia, familial, 2; Diabetes mellitus, transient neonatal, 3; Maturity-onset diabetes of the young type 13; Diabetes mellitus, permanent neonatal 2. Last evaluated: 2022-05-10. Review status: criteria provided, single submitter. Criteria: ACMG Guidelines, 2015. Collection method: clinical testing. Allele origin: unknown.

Ambry Genetics
Classification: Uncertain significance for Inborn genetic diseases. Last evaluated: 2021-12-28. Review status: criteria provided, single submitter. Criteria: Ambry Variant Classification Scheme 2023. Collection method: clinical testing. Allele origin: germline.
Comment: The c.1040G>A (p.R347H) alteration is located in exon 1 (coding exon 1) of the KCNJ11 gene. This alteration results from a G to A substitution at nucleotide position 1040, causing the arginine (R) at amino acid position 347 to be replaced by a histidine (H). Based on data from gnomAD, the A allele has an overall frequency of <0.01% (6/251414) total alleles studied. The highest observed frequency was 0.01% (6/113716) of European (non-Finnish) alleles. This amino acid position is not well conserved in available vertebrate species. This alteration is predicted to be tolerated by in silico analysis. Based on insufficient or conflicting evidence, the clinical significance of this alteration remains unclear.

Personalized Diabetes Medicine Program, University of Maryland School of Medicine
Classification: Uncertain significance for Monogenic diabetes. Last evaluated: 2018-03-02. Review status: criteria provided, single submitter. Criteria: ACMG Guidelines, 2015. Collection method: research. Allele origin: unknown. Observed: 1 variant allele, 1 heterozygote.
Comment: ACMG criteria: PP3 (9 predictors)=VUS

Athena Diagnostics
Classification: Uncertain significance. Last evaluated: 2017-09-18. Review status: criteria provided, single submitter. Criteria: Athena Diagnostics Criteria. Collection method: clinical testing. Allele origin: germline.

Illumina Laboratory Services, Illumina
Classification: Uncertain significance for Maturity-onset diabetes of the young type 13. Last evaluated: 2017-04-27. Review status: criteria provided, single submitter. Criteria: ICSL Variant Classification Criteria 13 December 2019. Collection method: clinical testing. Allele origin: germline.

Illumina Laboratory Services, Illumina
Classification: Uncertain significance for Hyperinsulinemic hypoglycemia, familial, 2. Last evaluated: 2017-04-27. Review status: criteria provided, single submitter. Criteria: ICSL Variant Classification Criteria 13 December 2019. Collection method: clinical testing. Allele origin: germline.
Comment: This variant was observed as part of a predisposition screen in an ostensibly healthy population. A literature search was performed for the gene, cDNA change, and amino acid change (where applicable). Publications were found based on this search. However, the evidence from the literature, in combination with allele frequency data from public databases where available, was not sufficient to rule this variant in or out of causing disease. Therefore, this variant is classified as a variant of unknown significance.

Clinical Genomics, Uppaluri K&H Personalized Medicine Clinic
Classification: Uncertain significance for Maturity-onset diabetes of the young. Review status: criteria provided, single submitter. Criteria: K & H Uppaluri Personalized Medicine Clinic Variant Classification & Assertion Criteria_Updated V.1. Collection method: research. Allele origin: somatic. Inheritance: Autosomal dominant inheritance.
Comment: Mutations in KCNJ11 gene can cause decreased production and secretion of insulin. This can lead to MODY which may be responsive to oral sulfonylureas. It is also associated with Neonatal Diabetes. However, no sufficient evidence is found to ascertain the role of this particular variant (rs771797701) in MODY yet.

Natera, Inc.
Classification: Uncertain significance for Permanent neonatal diabetes mellitus. Last evaluated: 2020-09-16. Review status: no assertion criteria provided. Collection method: clinical testing. Allele origin: germline. Not counted in ClinVar's aggregate classification.

Counsyl
Classification: Uncertain significance for Hyperinsulinemic hypoglycemia, familial, 2; Permanent neonatal diabetes mellitus 1; Diabetes mellitus, transient neonatal, 3. Last evaluated: 2017-07-25. Review status: no assertion criteria provided. Collection method: clinical testing. Allele origin: unknown. Not counted in ClinVar's aggregate classification.

Literature cited by the submitters: PubMed 23345197 (cited by 4 submitters); PubMed 31291970 (cited by Women's Health and Genetics/Laboratory Corporation of America, LabCorp); PubMed 18767144 (cited by Clinical Genomics, Uppaluri K&H Personalized Medicine Clinic); PubMed 26448950 (cited by Clinical Genomics, Uppaluri K&H Personalized Medicine Clinic); PubMed 15580558 (cited by Clinical Genomics, Uppaluri K&H Personalized Medicine Clinic); PubMed 15718250 (cited by Clinical Genomics, Uppaluri K&H Personalized Medicine Clinic); PubMed 32935446 (cited by Clinical Genomics, Uppaluri K&H Personalized Medicine Clinic); PubMed 22701567 (cited by Clinical Genomics, Uppaluri K&H Personalized Medicine Clinic); PubMed 21119644 (cited by Counsyl).

NM_000525.4(KCNJ11):c.1040G>A (p.Arg347His)

Gene: KCNJ11 (potassium inwardly rectifying channel subfamily J member 11; minus strand). Cytogenetic location: 11p15.1.
Variant type: single nucleotide variant.
Coding change: c.1040G>A on transcript NM_000525.4 (MANE Select); coding-DNA position 1040, G replaced by A.
Protein change: p.Arg347His; replaces arginine 347 with histidine.
Molecular consequence: missense variant.
Genome position (GRCh38, 1-based): chr11:17,387,052, C>T on the plus strand (G>A on the coding strand, the complement: KCNJ11 is on the minus strand). VCF-style: chr11-17387052-C-T. GRCh37 (hg19) VCF-style: chr11-17408599-C-T.
Other names: c.779G>A, p.Arg260His (NM_001166290.2, NM_001377296.1, NM_001377297.1); short protein forms R347H, R260H.
Identifiers: ClinVar variation 553036 (VCV000553036.15), dbSNP rs771797701, ClinGen allele CA5902194.